The following is an entry in ClinVar:

ClinVar aggregate classification (germline): Pathogenic (1 of 4 stars; one submission).

Submission:

GeneDx
Classification: Pathogenic. Last evaluated: 2025-02-19. Review status: criteria provided, single submitter. Criteria: GeneDx Variant Classification Process June 2021. Collection method: clinical testing. Allele origin: germline. Affected: yes.
Comment: Frameshift variant predicted to result in protein truncation or nonsense mediated decay in a gene for which loss of function is a known mechanism of disease; Not observed at significant frequency in large population cohorts (gnomAD); This variant is associated with the following publications: (PMID: 19367324)

NM_001123385.2(BCOR):c.3621del (p.Lys1207fs)

Gene: BCOR (BCL6 corepressor; minus strand). Cytogenetic location: Xp11.4.
Variant type: Deletion.
Coding change: c.3621del on transcript NM_001123385.2 (MANE Select); coding-DNA position 3621, one base deleted (A; older notation c.3621delA).
Protein change: p.Lys1207fs; shifts the reading frame from lysine 1207.
Molecular consequence: frameshift variant.
Genome position (GRCh38, 1-based): chrX:40,063,834, T deleted on the plus strand (A on the coding strand, the reverse complement: BCOR is on the minus strand); the first of 6 consecutive T bases (chrX:40,063,834-40,063,839); deleting any one gives the same sequence. VCF-style (leftmost placement, unchanged base first): chrX-40063833-GT-G. GRCh37 (hg19) VCF-style: chrX-39923086-GT-G.
Other names: c.3519del, p.Lys1173fs (NM_001123383.2, NM_001438208.1, NM_017745.6); c.3465del, p.Lys1155fs (NM_001123384.2); c.3621del, p.Lys1207fs (NM_001437510.1, NM_001437511.1); c.3567del, p.Lys1189fs (NM_001438207.1); short protein forms K1155fs, K1173fs, K1189fs, K1207fs.
Identifiers: ClinVar variation 4076571 (VCV004076571.1).